The following is an entry in ClinVar:

ClinVar aggregate classification (germline): Likely benign (1 of 4 stars; one submission).

Allele frequency attached by ClinVar (database versions not stated): ExAC 0.00001; TOPMed 0.00001; gnomAD 0.00002; 1000 Genomes Project 30x 0.00016; 1000 Genomes Project 0.00020.
gnomAD v4.1: 9 of 1,603,202 alleles (0.00056%); highest among the groups gnomAD compares: South Asian, 0.0033%; no homozygotes.

Submission:

CeGaT Center for Human Genetics Tuebingen
Classification: Likely benign. Last evaluated: 2023-12-01. Review status: criteria provided, single submitter. Criteria: CeGaT Center For Human Genetics Tuebingen Variant Classification Criteria Version 2. Collection method: clinical testing. Allele origin: germline. Affected: yes. Observed: 1 variant allele.
Comment: CDH15: BP4, BP7

NM_004933.3(CDH15):c.1431C>T (p.Asn477=)

Gene: CDH15 (cadherin 15; plus strand). Cytogenetic location: 16q24.3.
Variant type: single nucleotide variant.
Coding change: c.1431C>T on transcript NM_004933.3 (MANE Select); coding-DNA position 1431, C replaced by T.
Protein change: p.Asn477=; no amino-acid change (asparagine 477 retained).
Molecular consequence: synonymous variant.
Genome position (GRCh38, 1-based): chr16:89,191,710, C>T. VCF-style: chr16-89191710-C-T. GRCh37 (hg19) VCF-style: chr16-89258118-C-T.
Identifiers: ClinVar variation 3026308 (VCV003026308.22), dbSNP rs559000201, ClinGen allele CA8239303.